The following is an entry in ClinVar:

ClinVar aggregate classification (germline): Uncertain significance. Review status: criteria provided, multiple submitters, no conflicts (2 of 4 stars). 2 submissions from 2 submitters: Uncertain significance (2). Last evaluated 2025-03-17.

Allele frequency attached by ClinVar (database versions not stated): gnomAD 0.00004; 1000 Genomes Project 30x 0.00016; 1000 Genomes Project 0.00020.

Submissions (2):

Labcorp Genetics (formerly Invitae), Labcorp
Classification: Uncertain significance. Last evaluated: 2025-03-17. Review status: criteria provided, single submitter. Criteria: Invitae Variant Classification Sherloc (09022015). Collection method: clinical testing. Allele origin: germline.
Comment: This sequence change replaces threonine, which is neutral and polar, with methionine, which is neutral and non-polar, at codon 478 of the GPR179 protein (p.Thr478Met). The frequency data for this variant in the population databases is considered unreliable, as metrics indicate poor data quality at this position in the gnomAD database. This variant has not been reported in the literature in individuals affected with GPR179-related conditions. ClinVar contains an entry for this variant (Variation ID: 1905767). An algorithm developed to predict the effect of missense changes on protein structure and function (PolyPhen-2) suggests that this variant is likely to be disruptive. In summary, the available evidence is currently insufficient to determine the role of this variant in disease. Therefore, it has been classified as a Variant of Uncertain Significance.

Blueprint Genetics
Classification: Uncertain significance. Last evaluated: 2024-09-12. Review status: criteria provided, single submitter. Criteria: ACMG Guidelines, 2015. Collection method: clinical testing. Allele origin: germline.

NM_001004334.4(GPR179):c.1433C>T (p.Thr478Met)

Gene: GPR179 (G protein-coupled receptor 179; minus strand). Cytogenetic location: 17q12.
Variant type: single nucleotide variant.
Coding change: c.1433C>T on transcript NM_001004334.4 (MANE Select); coding-DNA position 1433, C replaced by T.
Protein change: p.Thr478Met; replaces threonine 478 with methionine.
Molecular consequence: missense variant.
Genome position (GRCh38, 1-based): chr17:38,335,245, G>A on the plus strand (C>T on the coding strand, the complement: GPR179 is on the minus strand). VCF-style: chr17-38335245-G-A. GRCh37 (hg19) VCF-style: chr17-36491128-G-A.
Other names: short protein forms T478M.
Identifiers: ClinVar variation 1905767 (VCV001905767.4), dbSNP rs537523744, ClinGen allele CA290108723.
Genomic context (GRCh38, chr17:38,335,245, plus strand): 5'-AGGAGCAGCCCCAGGTGCCGCAGCAGCCGCCCGCTGCTCAGAAGGGCACTCCGCTGGGCC[G>A]TTCGAGACAGAAACAGCTGCAGCACTCTGCGAGGGTTAGAATACACAGGGTGGATGGCAG-3'
Protein context (NP_001004334.3, residues 468-488): YRVLQLFLSR[Thr478Met]AQRSALLSSG